The following is an entry in ClinVar:

ClinVar aggregate classification (germline): Uncertain significance. Review status: criteria provided, multiple submitters, no conflicts (2 of 4 stars). 2 submissions from 2 submitters: Uncertain significance (2). Last evaluated 2025-08-07.

Allele frequency attached by ClinVar (database versions not stated): gnomAD exomes 0.00002 and 0.00006; ExAC 0.00006; 1000 Genomes Project 0.00060; 1000 Genomes Project 30x 0.00078; gnomAD 0.00014 and 0.00015; TOPMed 0.00022; ESP Exome Variant Server 0.00031.
gnomAD v4.1: 54 of 1,592,882 alleles (0.0034%); highest among the groups gnomAD compares: African/African-American, 0.068%; no homozygotes.

Submissions (2):

GeneDx
Classification: Uncertain significance. Last evaluated: 2025-08-07. Review status: criteria provided, single submitter. Criteria: GeneDx Variant Classification Process June 2021. Collection method: clinical testing. Allele origin: germline. Affected: yes.
Comment: In silico analysis suggests that this variant does not alter splicing; Has not been previously published as pathogenic or benign to our knowledge

Labcorp Genetics (formerly Invitae), Labcorp
Classification: Uncertain significance. Last evaluated: 2025-05-26. Review status: criteria provided, single submitter. Criteria: Invitae Variant Classification Sherloc (09022015). Collection method: clinical testing. Allele origin: germline.
Comment: This sequence change falls in intron 3 of the ARPC1B gene. It does not directly change the encoded amino acid sequence of the ARPC1B protein. It affects a nucleotide within the consensus splice site. This variant is present in population databases (rs200594251, gnomAD 0.09%). This variant has not been reported in the literature in individuals affected with ARPC1B-related conditions. ClinVar contains an entry for this variant (Variation ID: 1383963). Variants that disrupt the consensus splice site are a relatively common cause of aberrant splicing (PMID: 17576681, 9536098). Algorithms developed to predict the effect of sequence changes on RNA splicing suggest that this variant is not likely to affect RNA splicing. In summary, the available evidence is currently insufficient to determine the role of this variant in disease. Therefore, it has been classified as a Variant of Uncertain Significance.

Literature cited by the submitters: PubMed 17576681 (cited by Labcorp Genetics (formerly Invitae), Labcorp); PubMed 9536098 (cited by Labcorp Genetics (formerly Invitae), Labcorp).

NM_005720.4(ARPC1B):c.170-3C>T

Gene: ARPC1B (actin related protein 2/3 complex subunit 1B; plus strand). Cytogenetic location: 7q22.1.
Variant type: single nucleotide variant.
Coding change: c.170-3C>T on transcript NM_005720.4 (MANE Select); 3 bases into the intron before coding-DNA position 170, C replaced by T.
Molecular consequence: intron variant.
Genome position (GRCh38, 1-based): chr7:99,388,036, C>T. VCF-style: chr7-99388036-C-T. GRCh37 (hg19) VCF-style: chr7-98985659-C-T.
Identifiers: ClinVar variation 1383963 (VCV001383963.6), dbSNP rs200594251, ClinGen allele CA4363941.
Genomic context (GRCh38, chr7:99,388,036, plus strand): 5'-CACCATACAGCCACCTCTGCCTGAGTGTCATCAGCCTCCTGTGTTCCCTCCATCCCCCCA[C>T]AGGCATCGACTGGGCCCCCGAGAGTAACCGTATTGTGACCTGCGGCACAGACCGCAACGC-3'